The following is an entry in ClinVar:

ClinVar aggregate classification (germline): Uncertain significance. Review status: criteria provided, multiple submitters, no conflicts (2 of 4 stars). 3 submissions from 3 submitters: Uncertain significance (2). 1 of the submissions does not count toward it. Last evaluated 2024-08-05.

Conditions:
Choroideremia. Also called: Chorioretinal scalloped atrophy. Identifiers: Orphanet 180, MedGen C0008525, MONDO:0010557, OMIM 303100, HP:0001139.
Inborn genetic diseases. Identifiers: MedGen C0950123, MeSH D030342.

Allele frequency attached by ClinVar (database versions not stated): gnomAD exomes below 0.00001 and 0.00001; ExAC 0.00001; gnomAD 0.00001; TOPMed 0.00003.

Submissions (3):

Ambry Genetics
Classification: Uncertain significance for Inborn genetic diseases. Last evaluated: 2024-08-05. Review status: criteria provided, single submitter. Criteria: Ambry Variant Classification Scheme 2023. Collection method: clinical testing. Allele origin: germline.

Labcorp Genetics (formerly Invitae), Labcorp
Classification: Uncertain significance. Last evaluated: 2021-08-28. Review status: criteria provided, single submitter. Criteria: Invitae Variant Classification Sherloc (09022015). Collection method: clinical testing. Allele origin: germline.
Comment: This sequence change replaces isoleucine with methionine at codon 631 of the CHM protein (p.Ile631Met). The isoleucine residue is weakly conserved and there is a small physicochemical difference between isoleucine and methionine. This variant is present in population databases (rs778210722, ExAC 0.01%). This variant has not been reported in the literature in individuals affected with CHM-related conditions. Algorithms developed to predict the effect of missense changes on protein structure and function output the following: SIFT: "Tolerated"; PolyPhen-2: "Benign"; Align-GVGD: "Class C0". The methionine amino acid residue is found in multiple mammalian species, which suggests that this missense change does not adversely affect protein function. In summary, the available evidence is currently insufficient to determine the role of this variant in disease. Therefore, it has been classified as a Variant of Uncertain Significance.

Natera, Inc.
Classification: Uncertain significance for Choroideremia. Last evaluated: 2021-01-21. Review status: no assertion criteria provided. Collection method: clinical testing. Allele origin: germline. Not counted in ClinVar's aggregate classification.

NM_000390.4(CHM):c.1893A>G (p.Ile631Met)

Gene: CHM (CHM Rab escort protein; minus strand). Cytogenetic location: Xq21.2.
Variant type: single nucleotide variant.
Coding change: c.1893A>G on transcript NM_000390.4 (MANE Select); coding-DNA position 1893, A replaced by G.
Protein change: p.Ile631Met; replaces isoleucine 631 with methionine.
Molecular consequence: missense variant.
Genome position (GRCh38, 1-based): chrX:85,864,699, T>C on the plus strand (A>G on the coding strand, the complement: CHM is on the minus strand). VCF-style: chrX-85864699-T-C. GRCh37 (hg19) VCF-style: chrX-85119704-T-C.
Other names: c.1449A>G, p.Ile483Met (NM_001320959.1, NM_001362517.1, NM_001362518.2 and 1 more transcripts); short protein forms I483M, I631M.
Identifiers: ClinVar variation 951473 (VCV000951473.9), dbSNP rs778210722, ClinGen allele CA10465282.